The following is an entry in ClinVar:

NM_000548.5(TSC2):c.3398-3C>T

Gene: TSC2 (TSC complex subunit 2; plus strand). Cytogenetic location: 16p13.3.
Variant type: single nucleotide variant.
Coding change: c.3398-3C>T on transcript NM_000548.5 (MANE Select); 3 bases into the intron before coding-DNA position 3398, C replaced by T.
Molecular consequence: intron variant.
Genome position (GRCh38, 1-based): chr16:2,080,162, C>T. VCF-style: chr16-2080162-C-T. GRCh37 (hg19) VCF-style: chr16-2130163-C-T.
Other names: c.3398-3C>T (NM_001114382.3); c.3269-3C>T (NM_021055.3, NM_001370405.1, NM_001363528.2); c.3266-3C>T (NM_001370404.1, NM_001077183.3); c.3158-3C>T (NM_001318827.2); c.2666-3C>T (NM_001318831.2); c.3122-3C>T (NM_001318829.2); c.3299-3C>T (NM_001318832.2).
Identifiers: ClinVar variation 863048 (VCV000863048.11), dbSNP rs2089951550, ClinGen allele CA916081792.

ClinVar aggregate classification (germline): Uncertain significance. Review status: criteria provided, multiple submitters, no conflicts (2 of 4 stars). 2 submissions from 2 submitters: Uncertain significance (2). Last evaluated 2023-08-31.

Conditions:
Tuberous sclerosis 2 (TSC2). Identifiers: Orphanet 805, MedGen C1860707, MONDO:0013199, OMIM 613254.
Hereditary cancer-predisposing syndrome. Also called: Tumor predisposition; Hereditary Cancer Syndrome; Neoplastic Syndromes, Hereditary; Hereditary neoplastic syndrome. Identifiers: Orphanet 140162, MedGen C0027672, MeSH D009386, MONDO:0015356.

Submissions (2):

Ambry Genetics
Classification: Uncertain significance for Hereditary cancer-predisposing syndrome. Last evaluated: 2023-08-31. Review status: criteria provided, single submitter. Criteria: Ambry Variant Classification Scheme 2023. Collection method: clinical testing. Allele origin: germline.
Comment: The c.3398-3C>T intronic variant results from a C to T substitution 3 nucleotides upstream from coding exon 29 in the TSC2 gene. This nucleotide position is not well conserved in available vertebrate species. In silico splice site analysis predicts that this alteration will not have any significant effect on splicing. Since supporting evidence is limited at this time, the clinical significance of this alteration remains unclear.

Labcorp Genetics (formerly Invitae), Labcorp
Classification: Uncertain significance for Tuberous sclerosis 2. Last evaluated: 2019-05-14. Review status: criteria provided, single submitter. Criteria: Invitae Variant Classification Sherloc (09022015). Collection method: clinical testing. Allele origin: germline.
Comment: In summary, the available evidence is currently insufficient to determine the role of this variant in disease. Therefore, it has been classified as a Variant of Uncertain Significance. Nucleotide substitutions within the consensus splice site are a relatively common cause of aberrant splicing (PMID: 17576681, 9536098). Algorithms developed to predict the effect of sequence changes on RNA splicing suggest that this variant is not likely to affect RNA splicing, but this prediction has not been confirmed by published transcriptional studies. This variant has not been reported in the literature in individuals with TSC2-related conditions. This variant is not present in population databases (ExAC no frequency). This sequence change falls in intron 29 of the TSC2 gene. It does not directly change the encoded amino acid sequence of the TSC2 protein, but it affects a nucleotide within the consensus splice site of the intron.

Literature cited by the submitters: PubMed 17576681 (cited by Labcorp Genetics (formerly Invitae), Labcorp); PubMed 9536098 (cited by Labcorp Genetics (formerly Invitae), Labcorp).